The following is an entry in ClinVar:

NM_000217.3(KCNA1):c.61G>T (p.Asp21Tyr)

Gene: KCNA1 (potassium voltage-gated channel subfamily A member 1; plus strand). Cytogenetic location: 12p13.32.
Variant type: single nucleotide variant.
Coding change: c.61G>T on transcript NM_000217.3 (MANE Select); coding-DNA position 61, G replaced by T.
Protein change: p.Asp21Tyr; replaces aspartic acid 21 with tyrosine.
Molecular consequence: missense variant.
Genome position (GRCh38, 1-based): chr12:4,911,439, G>T. VCF-style: chr12-4911439-G-T. GRCh37 (hg19) VCF-style: chr12-5020605-G-T.
Other names: short protein forms D21Y.
Identifiers: ClinVar variation 2769272 (VCV002769272.3), dbSNP rs747465523, ClinGen allele CA383453709.

ClinVar aggregate classification (germline): Uncertain significance (1 of 4 stars; one submission).

Conditions:
Episodic ataxia type 1 (EA1). Also called: Episodic ataxia/myokymia syndrome; ATAXIA, EPISODIC, WITH MYOKYMIA; MYOKYMIA WITH PERIODIC ATAXIA; PAROXYSMAL ATAXIA WITH NEUROMYOTONIA, HEREDITARY. Identifiers: Orphanet 37612, Orphanet 972, MedGen C1719788, MONDO:0008047, OMIM 160120.

Submission:

Labcorp Genetics (formerly Invitae), Labcorp
Classification: Uncertain significance for Episodic ataxia type 1. Last evaluated: 2023-10-17. Review status: criteria provided, single submitter. Criteria: Invitae Variant Classification Sherloc (09022015). Collection method: clinical testing. Allele origin: germline.
Comment: This sequence change replaces aspartic acid, which is acidic and polar, with tyrosine, which is neutral and polar, at codon 21 of the KCNA1 protein (p.Asp21Tyr). This variant is not present in population databases (gnomAD no frequency). This variant has not been reported in the literature in individuals affected with KCNA1-related conditions. An algorithm developed to predict the effect of missense changes on protein structure and function (PolyPhen-2) suggests that this variant is likely to be disruptive. In summary, the available evidence is currently insufficient to determine the role of this variant in disease. Therefore, it has been classified as a Variant of Uncertain Significance.